The following is an entry in ClinVar:

ClinVar aggregate classification (germline): Likely benign. Review status: criteria provided, multiple submitters, no conflicts (2 of 4 stars). 3 submissions from 3 submitters: Likely benign (3). Last evaluated 2025-12-06.

Conditions:
Hereditary nonpolyposis colorectal neoplasms. Identifiers: MedGen C0009405, MeSH D003123.
Lynch syndrome 4 (LYNCH4). Also called: Colorectal cancer, hereditary nonpolyposis, type 4; Hereditary non-polyposis colorectal cancer, type 4. Identifiers: Orphanet 144, MedGen C1838333, MONDO:0013699, OMIM 614337. Disease mechanism: loss of function.
Hereditary cancer-predisposing syndrome. Also called: Hereditary Cancer Syndrome; Tumor predisposition; Neoplastic Syndromes, Hereditary; Hereditary neoplastic syndrome. Identifiers: Orphanet 140162, MedGen C0027672, MeSH D009386, MONDO:0015356.

Submissions (3):

Labcorp Genetics (formerly Invitae), Labcorp
Classification: Likely benign for Hereditary nonpolyposis colorectal neoplasms. Last evaluated: 2025-12-06. Review status: criteria provided, single submitter. Criteria: Invitae Variant Classification Sherloc (09022015). Collection method: clinical testing. Allele origin: germline.

Myriad Genetics, Inc.
Classification: Likely benign for Lynch syndrome 4. Last evaluated: 2025-02-03. Review status: criteria provided, single submitter. Criteria: Myriad Autosomal Dominant, Autosomal Recessive and X-Linked Classification Criteria (2023). Collection method: clinical testing. Allele origin: unknown.
Comment: This variant is considered likely benign. This variant is intronic and is not expected to impact mRNA splicing.

Color Diagnostics, LLC DBA Color Health
Classification: Likely benign for Hereditary cancer-predisposing syndrome. Last evaluated: 2024-03-04. Review status: criteria provided, single submitter. Criteria: ACMG Guidelines, 2015. Collection method: clinical testing. Allele origin: germline.

NM_000535.7(PMS2):c.2007-6C>T

Gene: PMS2 (PMS1 homolog 2, mismatch repair system component; minus strand). Cytogenetic location: 7p22.1.
Variant type: single nucleotide variant.
Coding change: c.2007-6C>T on transcript NM_000535.7 (MANE Select); 6 bases into the intron before coding-DNA position 2007, C replaced by T.
Molecular consequence: intron variant.
Genome position (GRCh38, 1-based): chr7:5,982,997, G>A on the plus strand (C>T on the coding strand, the complement: PMS2 is on the minus strand). VCF-style: chr7-5982997-G-A. GRCh37 (hg19) VCF-style: chr7-6022628-G-A.
Other names: c.1689-6C>T (NM_001322008.2, NM_001322007.2); c.1446-6C>T (NM_001322010.2); c.1602-6C>T (NM_001322004.2, NM_001322003.2, NM_001322009.2 and 1 more transcripts); c.1434-6C>T (NM_001322013.2); c.1074-6C>T (NM_001322012.2, NM_001322011.2); c.1698-6C>T (NM_001322015.2); c.1851-6C>T (NM_001322006.2); c.2007-6C>T (NM_001322014.2).
Identifiers: ClinVar variation 704442 (VCV000704442.12), dbSNP rs376018314, ClinGen allele CA915944861.
Genomic context (GRCh38, chr7:5,982,997, plus strand): 5'-TATAAATCCCAGGTTAAACTGACCAATGATTTCCATTTCTGCAAACATCGTTTTACTGCA[G>A]GTAGAAAATGTTAATTATCAGACATTTTACAAGATTATTTTTCTGATTATGTTATAGAAC-3'